The following is an entry in ClinVar:

ClinVar aggregate classification (germline): Likely pathogenic (1 of 4 stars; one submission).

Allele frequency attached by ClinVar (database versions not stated): TOPMed below 0.00001; gnomAD 0.00001.
gnomAD v4.1: 1 of 1,614,110 alleles (0.000062%); highest among the groups gnomAD compares: African/African-American, 0.0013%; no homozygotes.

Submission:

GeneDx
Classification: Likely pathogenic. Last evaluated: 2026-09-22. Review status: criteria provided, single submitter. Criteria: GeneDx Variant Classification Process June 2021. Collection method: clinical testing. Allele origin: germline.
Comment: Published functional studies suggest this variant disrupts the subcellular localization of transcription factor POU4F3 (Lin et al., 2017); Not observed at significant frequency in large population cohorts (gnomAD); In silico analysis supports that this missense variant has a deleterious effect on protein structure/function; This variant is associated with the following publications: (PMID: 32390314, 29850532, 32684921, 33919129, 31581539, 28790396)

NM_002700.3(POU4F3):c.982A>G (p.Lys328Glu)

Genes: POU4F3 (POU class 4 homeobox 3; plus strand), RBM27-POU4F3 (RBM27-POU4F3 readthrough; plus strand). Cytogenetic location: 5q32.
Variant type: single nucleotide variant.
Coding change: c.982A>G on transcript NM_002700.3 (MANE Select); coding-DNA position 982, A replaced by G.
Protein change: p.Lys328Glu; replaces lysine 328 with glutamic acid.
Molecular consequence: missense variant. On other transcripts: 3 prime UTR variant (1).
Genome position (GRCh38, 1-based): chr5:146,340,409, A>G. VCF-style: chr5-146340409-A-G. GRCh37 (hg19) VCF-style: chr5-145719972-A-G.
Other names: c.*851A>G (NM_001414499.1); short protein forms K328E.
Identifiers: ClinVar variation 2574954 (VCV002574954.2), dbSNP rs1339291105, ClinGen allele CA361623488.